The following is an entry in ClinVar:

NM_001080421.3(UNC13A):c.3639C>A (p.Ile1213=)

Gene: UNC13A (unc-13 homolog A; minus strand). Cytogenetic location: 19p13.11.
Variant type: single nucleotide variant.
Coding change: c.3639C>A on transcript NM_001080421.3 (MANE Select); coding-DNA position 3639, C replaced by A.
Protein change: p.Ile1213=; no amino-acid change (isoleucine 1213 retained).
Molecular consequence: synonymous variant.
Genome position (GRCh38, 1-based): chr19:17,630,175, G>T on the plus strand (C>A on the coding strand, the complement: UNC13A is on the minus strand). VCF-style: chr19-17630175-G-T. GRCh37 (hg19) VCF-style: chr19-17740984-G-T.
Other names: c.3633C>A, p.Ile1211= (NM_001387021.1, NM_001387022.1, NM_001387023.1).
Identifiers: ClinVar variation 3357344 (VCV003357344.1).

ClinVar aggregate classification (germline): Likely benign (0 of 4 stars; one submission).

Conditions:
UNC13A-related disorder. Also called: UNC13A-related condition.

gnomAD v4.1: 19 of 1,552,010 alleles (0.0012%); highest among the groups gnomAD compares: African/African-American, 0.025%; no homozygotes.

Submission:

PreventionGenetics, part of Exact Sciences
Classification: Likely benign for UNC13A-related condition. Last evaluated: 2024-06-30. Review status: no assertion criteria provided. Collection method: clinical testing. Allele origin: germline.
Comment: This variant is classified as likely benign based on ACMG/AMP sequence variant interpretation guidelines (Richards et al. 2015 PMID: 25741868, with internal and published modifications).